The following is an entry in ClinVar:

ClinVar aggregate classification (germline): Likely benign. Review status: criteria provided, multiple submitters, no conflicts (2 of 4 stars). 2 submissions from 2 submitters: Likely benign (2). Last evaluated 2022-02-14.

Conditions:
Aortic aneurysm, familial thoracic 7 (AAT7). Also called: AORTIC DISSECTION, FAMILIAL, WITH OR WITHOUT AORTIC ANEURYSM. Identifiers: MedGen C3151077, MONDO:0013418, OMIM 613780.
Megacystis-microcolon-intestinal hypoperistalsis syndrome 1. Identifiers: MedGen C5542316, MONDO:0100354, OMIM 249210.

Allele frequency attached by ClinVar (database versions not stated): 1000 Genomes Project 30x 0.01015; TOPMed 0.01043; gnomAD 0.00934 and 0.01003; 1000 Genomes Project 0.00998.

Submissions (2):

Fulgent Genetics
Classification: Likely benign for Megacystis-microcolon-intestinal hypoperistalsis syndrome 1; Aortic aneurysm, familial thoracic 7. Last evaluated: 2022-02-14. Review status: criteria provided, single submitter. Criteria: ACMG Guidelines, 2015. Collection method: clinical testing. Allele origin: unknown.

Illumina Laboratory Services, Illumina
Classification: Likely benign for Aortic aneurysm, familial thoracic 7. Last evaluated: 2018-01-13. Review status: criteria provided, single submitter. Criteria: ICSL Variant Classification Criteria 13 December 2019. Collection method: clinical testing. Allele origin: germline.
Comment: This variant was observed in the ICSL laboratory as part of a predisposition screen in an ostensibly healthy population. It had not been previously curated by ICSL or reported in the Human Gene Mutation Database (HGMD: prior to June 1st, 2018), and was therefore a candidate for classification through an automated scoring system. Utilizing variant allele frequency, disease prevalence and penetrance estimates, and inheritance mode, an automated score was calculated to assess if this variant is too frequent to cause the disease. Based on the score and internal cut-off values, a variant classified as likely benign is not then subjected to further curation. The score for this variant resulted in a classification of likely benign for this disease.

NM_053025.4(MYLK):c.*945G>A

Genes: MYLK (myosin light chain kinase; minus strand), MYLK-AS1 (MYLK antisense RNA 1; plus strand). Cytogenetic location: 3q21.1.
Variant type: single nucleotide variant.
Coding change: c.*945G>A on transcript NM_053025.4 (MANE Select); 945 bases downstream of the stop codon, G replaced by A.
Molecular consequence: 3 prime UTR variant.
Genome position (GRCh38, 1-based): chr3:123,613,160, C>T on the plus strand (G>A on the coding strand, the complement: MYLK is on the minus strand). VCF-style: chr3-123613160-C-T. GRCh37 (hg19) VCF-style: chr3-123332007-C-T.
Other names: c.*945G>A (NM_001321309.2, NM_053026.4, NM_053027.4 and 3 more transcripts).
Identifiers: ClinVar variation 342841 (VCV000342841.6), dbSNP rs112095273, ClinGen allele CA10615077.
Genomic context (GRCh38, chr3:123,613,160, plus strand): 5'-AATGAAGATGTATTAAACTCTGGCTATCTTGGAGGAGATTCCAAAGTACATGGAGTTCTC[C>T]AGCTCTTTATCAGTTGAAATCTGTTTCATCGTGGCCAATAGATAATTAAGACTAACTTTT-3'